The following is an entry in ClinVar:

NM_001010892.3(RSPH4A):c.1129G>A (p.Glu377Lys)

Gene: RSPH4A (radial spoke head component 4A; plus strand). Cytogenetic location: 6q22.1.
Variant type: single nucleotide variant.
Coding change: c.1129G>A on transcript NM_001010892.3 (MANE Select); coding-DNA position 1129, G replaced by A.
Protein change: p.Glu377Lys; replaces glutamic acid 377 with lysine.
Molecular consequence: missense variant.
Genome position (GRCh38, 1-based): chr6:116,627,836, G>A. VCF-style: chr6-116627836-G-A. GRCh37 (hg19) VCF-style: chr6-116948999-G-A.
Other names: c.1129G>A, p.Glu377Lys (NM_001161664.2); short protein forms E377K.
Identifiers: ClinVar variation 4157445 (VCV004157445.1).

ClinVar aggregate classification (germline): Uncertain significance (1 of 4 stars; one submission).

Conditions:
Primary ciliary dyskinesia. Also called: Ciliary dyskinesia. Identifiers: Orphanet 244, MedGen C0008780, MONDO:0016575, HP:0012265.

gnomAD v4.1: 2 of 1,614,140 alleles (0.00012%); highest among the groups gnomAD compares: East Asian, 0.0022%; no homozygotes.

Submission:

Ambry Genetics
Classification: Uncertain significance for Primary ciliary dyskinesia. Last evaluated: 2025-08-28. Review status: criteria provided, single submitter. Criteria: Ambry Variant Classification Scheme 2023. Collection method: clinical testing. Allele origin: germline.
Comment: The p.E377K variant (also known as c.1129G>A), located in coding exon 3 of the RSPH4A gene, results from a G to A substitution at nucleotide position 1129. The glutamic acid at codon 377 is replaced by lysine, an amino acid with similar properties. This amino acid position is conserved. In addition, this alteration is predicted to be tolerated by in silico analysis. Based on the available evidence, the clinical significance of this variant remains unclear.